The following is an entry in ClinVar:

ClinVar aggregate classification (germline): Likely pathogenic (1 of 4 stars; one submission).

Conditions:
SPEG-related congenital myopathy.

Submission:

Muscle and Diseases Team, Institut de Génétique et Biologie Moléculaire et Cellulaire
Classification: Likely pathogenic for SPEG-related congenital myopathy. Last evaluated: 2024-03-01. Review status: criteria provided, single submitter. Criteria: ACMG Guidelines, 2015. Collection method: research. Allele origin: maternal. Affected: yes. Observed: 1 variant allele.
Comment: PVS1+PM2

Literature cited by the submitters: DOI 10.1186/s13073-024-01353-0; PubMed 29614691.

NM_005876.5(SPEG):c.1071_1074dup (p.Lys359fs)

Gene: SPEG (striated muscle enriched protein kinase; plus strand). Cytogenetic location: 2q35.
Variant type: Duplication.
Coding change: c.1071_1074dup on transcript NM_005876.5 (MANE Select); coding-DNA positions 1071 to 1074, 4 bases duplicated (GTCC; older notation c.1071_1074dupGTCC).
Protein change: p.Lys359fs; shifts the reading frame from lysine 359.
Molecular consequence: frameshift variant.
Genome position (GRCh38, 1-based): chr2:219,448,229-219,448,232, GTCC duplicated. VCF-style (leftmost placement, unchanged base first): chr2-219448228-A-AGTCC. GRCh37 (hg19) VCF-style: chr2-220312950-A-AGTCC.
Other names: short protein forms K359fs.
Identifiers: ClinVar variation 3233241 (VCV003233241.2), dbSNP rs2545460807.